The following is an entry in ClinVar:

ClinVar aggregate classification (germline): Uncertain significance (1 of 4 stars; one submission).

gnomAD v4.1: 20 of 1,608,178 alleles (0.0012%); highest among the groups gnomAD compares: African/African-American, 0.015%; no homozygotes.

Submission:

Mayo Clinic Laboratories, Mayo Clinic
Classification: Uncertain significance. Last evaluated: 2025-03-05. Review status: criteria provided, single submitter. Criteria: ACMG Guidelines, 2015. Collection method: clinical testing. Allele origin: germline. Observed: 1 variant allele.
Comment: PP3, PM2_supporting

NM_152328.5(ADSS1):c.389T>C (p.Ile130Thr)

Gene: ADSS1 (adenylosuccinate synthase 1; plus strand). Cytogenetic location: 14q32.33.
Variant type: single nucleotide variant.
Coding change: c.389T>C on transcript NM_152328.5 (MANE Select); coding-DNA position 389, T replaced by C.
Protein change: p.Ile130Thr; replaces isoleucine 130 with threonine.
Molecular consequence: missense variant. On other transcripts: 5 prime UTR variant (1).
Genome position (GRCh38, 1-based): chr14:104,739,358, T>C. VCF-style: chr14-104739358-T-C. GRCh37 (hg19) VCF-style: chr14-105205695-T-C.
Other names: p.Ile173Thr; c.-210T>C (NM_001320424.1); c.518T>C, p.Ile173Thr (NM_199165.2); short protein forms I130T, I173T.
Identifiers: ClinVar variation 4541912 (VCV004541912.1).